The following is an entry in ClinVar:

NM_000089.4(COL1A2):c.3313G>A (p.Gly1105Ser)

Gene: COL1A2 (collagen type I alpha 2 chain; plus strand). Cytogenetic location: 7q21.3.
Variant type: single nucleotide variant.
Coding change: c.3313G>A on transcript NM_000089.4 (MANE Select); coding-DNA position 3313, G replaced by A.
Protein change: p.Gly1105Ser; replaces glycine 1105 with serine.
Molecular consequence: missense variant.
Genome position (GRCh38, 1-based): chr7:94,427,672, G>A. VCF-style: chr7-94427672-G-A. GRCh37 (hg19) VCF-style: chr7-94056984-G-A.
Other names: p.Gly1105Ser; short protein forms G1105S.
Identifiers: ClinVar variation 360968 (VCV000360968.75), dbSNP rs139851311, ClinGen allele CA4347736.

ClinVar aggregate classification (germline): Conflicting classifications of pathogenicity. Review status: criteria provided, conflicting classifications (1 of 4 stars). 15 submissions from 13 submitters: Uncertain significance (3); Likely benign (12). Last evaluated 2026-07-01.

Conditions:
Osteogenesis imperfecta type I (OI1). Also called: Lobstein's Disease; Classic Non-deforming Osteogenesis Imperfecta with Blue Sclerae; Osteogenesis imperfecta type 1; OI, TYPE I; OSTEOGENESIS IMPERFECTA TARDA; OSTEOGENESIS IMPERFECTA WITH BLUE SCLERAE. Identifiers: Orphanet 216796, Orphanet 666, MedGen C0023931, MONDO:0008146, OMIM 166200. Disease mechanism: loss of function.
Ehlers-Danlos syndrome, classic type, 1 (EDSCL1). Also called: Ehlers-Danlos syndrome, type 1; EDS I; Ehlers-Danlos Syndrome, Classic Type, COL5A1-Related; EHLERS-DANLOS SYNDROME, SEVERE CLASSIC TYPE; EHLERS-DANLOS SYNDROME, GRAVIS TYPE. Identifiers: MedGen C0268335, MONDO:0019567, OMIM 130000.
Connective tissue disorder. Also called: Connective tissue disease. Identifiers: MedGen C0009782, MONDO:0003900.
Ehlers-Danlos syndrome, arthrochalasia type, 2. Also called: EHLERS-DANLOS SYNDROME, TYPE VIIB, AUTOSOMAL DOMINANT. Identifiers: MedGen CN293783, MONDO:0040501, OMIM 617821.
Cardiovascular phenotype. Identifiers: MedGen CN230736.
Ehlers-Danlos syndrome (EDS). Identifiers: Orphanet 98249, MedGen C0013720, MONDO:0020066.
Osteogenesis imperfecta (OI). Identifiers: Orphanet 666, MedGen C0029434, MeSH D010013, MONDO:0019019.

Allele frequency attached by ClinVar (database versions not stated): gnomAD 0.00066 and 0.00069; TOPMed 0.00090; ExAC 0.00097; gnomAD exomes 0.00099 and 0.00127; 1000 Genomes Project 30x 0.00109; 1000 Genomes Project 0.00140; ESP Exome Variant Server 0.00146.

Submissions (15):

CeGaT Center for Human Genetics Tuebingen
Classification: Likely benign. Last evaluated: 2026-07-01. Review status: criteria provided, single submitter. Criteria: CeGaT Center For Human Genetics Tuebingen Variant Classification Criteria Version 2. Collection method: clinical testing. Allele origin: germline. Affected: yes. Observed: 6 variant alleles.
Comment: COL1A2: BS1

Labcorp Genetics (formerly Invitae), Labcorp
Classification: Likely benign for Osteogenesis imperfecta type I; Ehlers-Danlos syndrome, classic type, 1. Last evaluated: 2026-02-02. Review status: criteria provided, single submitter. Criteria: Invitae Variant Classification Sherloc (09022015). Collection method: clinical testing. Allele origin: germline.

Athena Diagnostics
Classification: Likely benign. Last evaluated: 2025-03-27. Review status: criteria provided, single submitter. Criteria: Athena Diagnostics Criteria. Collection method: clinical testing. Allele origin: unknown.
Comment: The frequency of this variant in the general population is higher than would generally be expected for pathogenic variants in this gene.

Blueprint Genetics
Classification: Likely benign. Last evaluated: 2024-10-02. Review status: criteria provided, single submitter. Criteria: ACMG Guidelines, 2015. Collection method: clinical testing. Allele origin: germline.

Mayo Clinic Laboratories, Mayo Clinic
Classification: Likely benign. Last evaluated: 2024-09-25. Review status: criteria provided, single submitter. Criteria: ACMG Guidelines, 2015. Collection method: clinical testing. Allele origin: germline. Observed: 13 variant alleles.
Comment: BS1, BP5

Women's Health and Genetics/Laboratory Corporation of America, LabCorp
Classification: Likely benign. Last evaluated: 2024-09-25. Review status: criteria provided, single submitter. Criteria: LabCorp Variant Classification Summary - May 2015. Collection method: clinical testing. Allele origin: germline.
Comment: Variant summary: COL1A2 c.3313G>A (p.Gly1105Ser) results in a non-conservative amino acid change in the encoded protein sequence. Four of five in-silico tools predict a damaging effect of the variant on protein function. The variant allele was found at a frequency of 0.00099 in 251270 control chromosomes, predominantly at a frequency of 0.0024 within the South Asian subpopulation in the gnomAD database. The observed variant frequency within South Asian control individuals in the gnomAD database is approximately 85.33 fold of the estimated maximal expected allele frequency for a pathogenic variant in COL1A2 causing Osteogenesis Imperfecta phenotype (2.8e-05). c.3313G>A has been reported in the literature in heterozygous individuals affected with Osteogenesis Imperfecta (Mrosk_2018, Zhang_2012). These data do not allow any conclusion about variant significance. Co-occurrences with other pathogenic variant(s) have been reported (COL1A1 c.2299G>A , p.Gly767Ser), providing supporting evidence for a benign role. To our knowledge, no experimental evidence demonstrating an impact on protein function has been reported. ClinVar contains an entry for this variant (Variation ID: 360968). Based on the evidence outlined above, the variant was classified as likely benign.

ARUP Laboratories, Molecular Genetics and Genomics, ARUP Laboratories
Classification: Uncertain significance. Last evaluated: 2024-09-06. Review status: criteria provided, single submitter. Criteria: ARUP Molecular Germline Variant Investigation Process 2024. Collection method: clinical testing. Allele origin: germline.
Comment: The COL1A2 c.3313G>A; p.Gly1105Ser variant (rs139851311; ClinVar Variation ID: 360968) is reported in the literature in several individuals affected with osteogenesis imperfecta or Ehlers-Danlos Syndrome, though it was not demonstrated to cause disease (Junkiert-Czarnecka 2022, Lin 2024, Mei 2022, Stephen 2014, Zhang 2012). This variant is found in the South Asian population with an overall allele frequency of 0.24% (73/30610 alleles) in the Genome Aggregation Database (v2.1.1). The glycine at codon 1105 is highly conserved, and computational analyses predict that this variant is deleterious (REVEL: 0.783). It is unclear if this glycine residue is incorporated into the collagen triple helix domain. While the population frequency of this variant is inconsistent with disease, given the lack of clinical and functional data, the significance of the p.Gly1105Ser variant is uncertain at this time. References: Junkiert-Czarnecka A et al. Next-Generation Sequencing of Connective Tissue Genes in Patients with Classical Ehlers-Danlos Syndrome. Curr Issues Mol Biol. 2022 Mar 25;44(4):1472-1478. PMID: 35723357. Lin X et al. Genotype-phenotype relationship and comparison between eastern and western patients with osteogenesis imperfecta. J Endocrinol Invest. 2024 Jan;47(1):67-77. PMID: 37270749. Mei Y et al. Comparing Clinical and Genetic Characteristics of De Novo and Inherited COL1A1/COL1A2 Variants in a Large Chinese Cohort of Osteogenesis Imperfecta. Front Endocrinol (Lausanne). 2022 Jul 14;13:935905. PMID: 35909573. Stephen J et al. Mutation spectrum of COL1A1 and COL1A2 genes in Indian patients with osteogenesis imperfecta. Am J Med Genet A. 2014 Jun;164A(6):1482-9. PMID: 24668929. Zhang ZL et al. The identification of novel mutations in COL1A1, COL1A2, and LEPRE1 genes in Chinese patients with osteogenesis imperfecta. J Bone Miner Metab. 2012 Jan;30(1):69-77. PMID: 21667357.

Genome Diagnostics Laboratory, The Hospital for Sick Children
Classification: Uncertain significance for Ehlers-Danlos syndrome. Last evaluated: 2021-02-10. Review status: criteria provided, single submitter. Criteria: ACMG Guidelines, 2015. Collection method: clinical testing. Allele origin: germline.

Ambry Genetics
Classification: Likely benign for Cardiovascular phenotype. Last evaluated: 2020-03-05. Review status: criteria provided, single submitter. Criteria: Ambry Variant Classification Scheme 2023. Collection method: clinical testing. Allele origin: germline.

Genome Diagnostics Laboratory, The Hospital for Sick Children
Classification: Likely benign for Osteogenesis imperfecta. Last evaluated: 2019-12-01. Review status: criteria provided, single submitter. Criteria: ACMG Guidelines, 2015. Collection method: clinical testing. Allele origin: germline.

GeneDx
Classification: Likely benign. Last evaluated: 2017-10-23. Review status: criteria provided, single submitter. Criteria: GeneDx Variant Classification (06012015). Collection method: clinical testing. Allele origin: germline. Affected: yes.
Comment: This variant is considered likely benign or benign based on one or more of the following criteria: it is a conservative change, it occurs at a poorly conserved position in the protein, it is predicted to be benign by multiple in silico algorithms, and/or has population frequency not consistent with disease.

Illumina Laboratory Services, Illumina
Classification: Likely benign for Osteogenesis imperfecta. Last evaluated: 2017-04-27. Review status: criteria provided, single submitter. Criteria: ICSL Variant Classification Criteria 13 December 2019. Collection method: clinical testing. Allele origin: germline.
Comment: This variant was observed as part of a predisposition screen in an ostensibly healthy population. A literature search was performed for the gene, cDNA change, and amino acid change (where applicable). No publications were found based on this search. Allele frequency data from public databases allowed determination this variant is unlikely to cause disease. Therefore, this variant is classified as likely benign.

Illumina Laboratory Services, Illumina
Classification: Likely benign for Ehlers-Danlos syndrome, arthrochalasia type, 2. Last evaluated: 2017-04-27. Review status: criteria provided, single submitter. Criteria: ICSL Variant Classification Criteria 13 December 2019. Collection method: clinical testing. Allele origin: germline.
Comment: the same text as in the submission from Illumina Laboratory Services, Illumina above.

Center for Pediatric Genomic Medicine, Children's Mercy Hospital and Clinics
Classification: Likely benign. Last evaluated: 2017-03-06. Review status: criteria provided, single submitter. Criteria: ACMG Guidelines, 2015. Collection method: clinical testing. Allele origin: germline.

Center for Human Genetics, Inc
Classification: Uncertain significance for Connective tissue disorder. Last evaluated: 2016-11-01. Review status: criteria provided, single submitter. Criteria: ACMG Guidelines, 2015. Collection method: clinical testing. Allele origin: germline. Affected: yes.

Literature cited by the submitters: PubMed 21667357 (cited by 4 submitters); PubMed 24668929 (cited by Athena Diagnostics and Mayo Clinic Laboratories, Mayo Clinic); PubMed 37270749 (cited by Athena Diagnostics and Women's Health and Genetics/Laboratory Corporation of America, LabCorp); PubMed 35909573 (cited by 3 submitters); PubMed 35723357 (cited by 3 submitters); PubMed 29499418 (cited by 3 submitters); PubMed 36396825 (cited by Athena Diagnostics); PubMed 29590070 (cited by Mayo Clinic Laboratories, Mayo Clinic); PubMed 29946973 (cited by Mayo Clinic Laboratories, Mayo Clinic).